The following is an entry in ClinVar:

NM_004787.4(SLIT2):c.4333G>C (p.Asp1445His)

Gene: SLIT2 (slit guidance ligand 2; plus strand). Cytogenetic location: 4p15.31.
Variant type: single nucleotide variant.
Coding change: c.4333G>C on transcript NM_004787.4 (MANE Select); coding-DNA position 4333, G replaced by C.
Protein change: p.Asp1445His; replaces aspartic acid 1445 with histidine.
Molecular consequence: missense variant.
Genome position (GRCh38, 1-based): chr4:20,617,635, G>C. VCF-style: chr4-20617635-G-C. GRCh37 (hg19) VCF-style: chr4-20619258-G-C.
Other names: c.4321G>C, p.Asp1441His (NM_001289135.3); c.4309G>C, p.Asp1437His (NM_001289136.3); short protein forms D1445H, D1437H, D1441H.
Identifiers: ClinVar variation 2064541 (VCV002064541.18), dbSNP rs141897818, ClinGen allele CA2872417.
Genomic context (GRCh38, chr4:20,617,635, plus strand): 5'-AAGTGCAGGCTTTCAGGTCTGGGGCAGCCCTACTGTGAATGCAGCAGTGGATACACGGGG[G>C]ACAGCTGTGATCGAGGTAAGCCAGCCCCACTGGGCACCTCATTCTCTTGGCAAAGCAAGA-3'
Protein context (NP_004778.1, residues 1435-1455): YCECSSGYTG[Asp1445His]SCDREISCRG

ClinVar aggregate classification (germline): Benign/Likely benign. Review status: criteria provided, multiple submitters, no conflicts (2 of 4 stars). 2 submissions from 2 submitters: Benign (1); Likely benign (1). Last evaluated 2025-10-06.

Allele frequency attached by ClinVar (database versions not stated): 1000 Genomes Project 30x 0.00016; gnomAD 0.00051; TOPMed 0.00065; ESP Exome Variant Server 0.00108.
gnomAD v4.1: 994 of 1,610,810 alleles (0.062%); highest among the groups gnomAD compares: Middle Eastern, 0.29%; 6 homozygotes.

Submissions (2):

Labcorp Genetics (formerly Invitae), Labcorp
Classification: Benign. Last evaluated: 2025-10-06. Review status: criteria provided, single submitter. Criteria: Invitae Variant Classification Sherloc (09022015). Collection method: clinical testing. Allele origin: germline.

CeGaT Center for Human Genetics Tuebingen
Classification: Likely benign. Last evaluated: 2024-11-01. Review status: criteria provided, single submitter. Criteria: CeGaT Center For Human Genetics Tuebingen Variant Classification Criteria Version 2. Collection method: clinical testing. Allele origin: germline. Affected: yes. Observed: 1 variant allele.
Comment: SLIT2: BP4, BS2